The following is an entry in ClinVar:

NM_007194.4(CHEK2):c.601T>C (p.Phe201Leu)

Gene: CHEK2 (checkpoint kinase 2; minus strand). Cytogenetic location: 22q12.1.
Variant type: single nucleotide variant.
Coding change: c.601T>C on transcript NM_007194.4 (MANE Select); coding-DNA position 601, T replaced by C.
Protein change: p.Phe201Leu; replaces phenylalanine 201 with leucine.
Molecular consequence: missense variant. On other transcripts: 5 prime UTR variant (2), intron variant (1).
Genome position (GRCh38, 1-based): chr22:28,719,477, A>G on the plus strand (T>C on the coding strand, the complement: CHEK2 is on the minus strand). VCF-style: chr22-28719477-A-G. GRCh37 (hg19) VCF-style: chr22-29115465-A-G.
Other names: c.730T>C, p.Phe244Leu (NM_001005735.3, NM_001438294.1); c.-63T>C (NM_001257387.3, NM_001437942.1); c.694T>C, p.Phe232Leu (NM_001438293.1, NM_001438295.1); c.601T>C, p.Phe201Leu (NM_145862.3); c.482+5409T>C (NM_001349956.3); short protein forms F201L, F244L, F232L.
Identifiers: ClinVar variation 924493 (VCV000924493.6), dbSNP rs786202416, ClinGen allele CA411105143.
Genomic context (GRCh38, chr22:28,719,477, plus strand): 5'-TGTATTCATCTCTTAATGCCTTAGGATAAACTGACTGATCATCTACAGTCAGATCAAAAA[A>G]GACAAAAACTAAGGAAGAAAAGAGTAGAAATGGGTTTCATTAATTTATTCACAAGAGGCG-3'
Protein context (NP_009125.1, residues 191-211): LSLSRNKVFV[Phe201Leu]FDLTVDDQSV

ClinVar aggregate classification (germline): Uncertain significance. Review status: criteria provided, multiple submitters, no conflicts (2 of 4 stars). 3 submissions from 3 submitters: Uncertain significance (3). Last evaluated 2025-06-01.

Conditions:
Familial cancer of breast. Also called: BREAST CANCER, FAMILIAL; Hereditary breast cancer; hereditary breast carcinoma. Identifiers: Orphanet 227535, MedGen C0346153, MONDO:0016419, OMIM 114480. Disease mechanism: loss of function.
Hereditary cancer-predisposing syndrome. Also called: Neoplastic Syndromes, Hereditary; Tumor predisposition; Hereditary Cancer Syndrome; Hereditary neoplastic syndrome. Identifiers: Orphanet 140162, MedGen C0027672, MeSH D009386, MONDO:0015356.

Submissions (3):

Labcorp Genetics (formerly Invitae), Labcorp
Classification: Uncertain significance for Familial cancer of breast. Last evaluated: 2025-06-01. Review status: criteria provided, single submitter. Criteria: Invitae Variant Classification Sherloc (09022015). Collection method: clinical testing. Allele origin: germline.
Comment: This sequence change replaces phenylalanine, which is neutral and non-polar, with leucine, which is neutral and non-polar, at codon 201 of the CHEK2 protein (p.Phe201Leu). This variant is not present in population databases (gnomAD no frequency). This variant has not been reported in the literature in individuals affected with CHEK2-related conditions. ClinVar contains an entry for this variant (Variation ID: 924493). An algorithm developed to predict the effect of missense changes on protein structure and function (PolyPhen-2) suggests that this variant is likely to be disruptive. In summary, the available evidence is currently insufficient to determine the role of this variant in disease. Therefore, it has been classified as a Variant of Uncertain Significance.

Color Diagnostics, LLC DBA Color Health
Classification: Uncertain significance for Hereditary cancer-predisposing syndrome. Last evaluated: 2023-12-04. Review status: criteria provided, single submitter. Criteria: ACMG Guidelines, 2015. Collection method: clinical testing. Allele origin: germline.
Comment: This missense variant replaces phenylalanine with leucine at codon 201 of the CHEK2 protein. Computational prediction suggests that this variant may have deleterious impact on protein structure and function (internally defined REVEL score threshold >= 0.7, PMID: 27666373). To our knowledge, functional studies have not been reported for this variant. This variant has not been reported in individuals affected with CHEK2-related disorders in the literature. This variant has not been identified in the general population by the Genome Aggregation Database (gnomAD). The available evidence is insufficient to determine the role of this variant in disease conclusively. Therefore, this variant is classified as a Variant of Uncertain Significance.

Ambry Genetics
Classification: Uncertain significance for Hereditary cancer-predisposing syndrome. Last evaluated: 2023-04-20. Review status: criteria provided, single submitter. Criteria: Ambry Variant Classification Scheme 2023. Collection method: clinical testing. Allele origin: germline.
Comment: The p.F201L variant (also known as c.601T>C), located in coding exon 4 of the CHEK2 gene, results from a T to C substitution at nucleotide position 601. The phenylalanine at codon 201 is replaced by leucine, an amino acid with highly similar properties. This amino acid position is highly conserved in available vertebrate species. In addition, this alteration is predicted to be deleterious by in silico analysis. Since supporting evidence is limited at this time, the clinical significance of this alteration remains unclear.